The following is an entry in ClinVar:

NC_000015.10:g.(?_89247629)_(89317131_?)del

Genes: FANCI (FA complementation group I; plus strand), POLG (DNA polymerase gamma, catalytic subunit; minus strand). Cytogenetic location: 15q26.1.
Variant type: Deletion.
Identifiers: ClinVar variation 417426 (VCV000417426.1).

ClinVar aggregate classification (germline): Pathogenic (1 of 4 stars; one submission).

Conditions:
Fanconi anemia (FA). Also called: Fanconi's anemia. Identifiers: Orphanet 84, MedGen C0015625, MeSH D005199, MONDO:0019391.

Submission:

Labcorp Genetics (formerly Invitae), Labcorp
Classification: Pathogenic for Fanconi anemia. Last evaluated: 2016-09-15. Review status: criteria provided, single submitter. Criteria: Invitae Variant Classification Sherloc (09022015). Collection method: clinical testing. Allele origin: germline.
Comment: A gross deletion of the genomic region encompassing the full coding sequence of the FANCI gene has been identified. The boundaries of this event are unknown as the deletion extends beyond the assayed region for this gene and therefore may encompass additional genes. While this particular variant has not been reported in the literature, loss-of-function variants in FANCI are known to be pathogenic (PMID: 17452773, 17460694). For these reasons, this variant has been classified as Pathogenic.